The following is an entry in ClinVar:

NM_021930.6(RINT1):c.521A>C (p.Asn174Thr)

Gene: RINT1 (RAD50 interactor 1; plus strand). Cytogenetic location: 7q22.3.
Variant type: single nucleotide variant.
Coding change: c.521A>C on transcript NM_021930.6 (MANE Select); coding-DNA position 521, A replaced by C.
Protein change: p.Asn174Thr; replaces asparagine 174 with threonine.
Molecular consequence: missense variant. On other transcripts: 5 prime UTR variant (2), non-coding transcript variant (1), intron variant (1).
Genome position (GRCh38, 1-based): chr7:105,546,915, A>C. VCF-style: chr7-105546915-A-C. GRCh37 (hg19) VCF-style: chr7-105187362-A-C.
Other names: c.287A>C, p.Asn96Thr (NM_001346599.2); c.-499A>C (NM_001346600.2); c.-402A>C (NM_001346601.2); c.-27-3140A>C (NM_001346603.2); short protein forms N174T, N96T.
Identifiers: ClinVar variation 2624791 (VCV002624791.2), dbSNP rs1790690112, ClinGen allele CA368805268.

ClinVar aggregate classification (germline): Uncertain significance (1 of 4 stars; one submission).

Allele frequency attached by ClinVar (database versions not stated): gnomAD 0.00001; gnomAD exomes 0.00001.
gnomAD v4.1: 7 of 1,596,546 alleles (0.00044%); highest among the groups gnomAD compares: East Asian, 0.016%; no homozygotes.

Submission:

Ambry Genetics
Classification: Uncertain significance. Last evaluated: 2023-07-17. Review status: criteria provided, single submitter. Criteria: Ambry Variant Classification Scheme 2023. Collection method: clinical testing. Allele origin: germline.
Comment: The p.N174T variant (also known as c.521A>C), located in coding exon 5 of the RINT1 gene, results from an A to C substitution at nucleotide position 521. The asparagine at codon 174 is replaced by threonine, an amino acid with similar properties. This amino acid position is conserved. In addition, this alteration is predicted to be tolerated by in silico analysis. Since supporting evidence is limited at this time, the clinical significance of this alteration remains unclear.